The following is an entry in ClinVar:

NM_001195518.2(MICU1):c.538-1133_538-1130del

Gene: MICU1 (mitochondrial calcium uptake 1; minus strand). Cytogenetic location: 10q22.1.
Variant type: Deletion.
Coding change: c.538-1133_538-1130del on transcript NM_001195518.2 (MANE Select); 1133 bases into the intron before coding-DNA position 538 through 1130 bases into the intron before coding-DNA position 538, 4 bases deleted (CAGA; older notation c.538-1133_538-1130delCAGA).
Molecular consequence: intron variant.
Genome position (GRCh38, 1-based): chr10:72,509,399-72,509,402, TCTG deleted on the plus strand (CAGA on the coding strand, the reverse complement: MICU1 is on the minus strand); deleting any 4 consecutive bases within chr10:72,509,399-72,509,405 gives the same sequence; the c. name uses the placement nearest the transcript's 3' end. VCF-style (leftmost placement, unchanged base first): chr10-72509398-CTCTG-C. GRCh37 (hg19) VCF-style: chr10-74269156-CTCTG-C.
Other names: c.58+14400_58+14403del (NM_001195519.2).
Identifiers: ClinVar variation 1453121 (VCV001453121.6), dbSNP rs753078041, ClinGen allele CA5550221.

ClinVar aggregate classification (germline): Pathogenic (1 of 4 stars; one submission).

Submission:

Labcorp Genetics (formerly Invitae), Labcorp
Classification: Pathogenic. Last evaluated: 2024-08-08. Review status: criteria provided, single submitter. Criteria: Invitae Variant Classification Sherloc (09022015). Collection method: clinical testing. Allele origin: germline.
Comment: This sequence change creates a premature translational stop signal (p.Thr180Argfs*54) in the MICU1 gene. It is expected to result in an absent or disrupted protein product. Loss-of-function variants in MICU1 are known to be pathogenic (PMID: 24336167). This variant is present in population databases (rs753078041, gnomAD 0.002%). This variant has not been reported in the literature in individuals affected with MICU1-related conditions. ClinVar contains an entry for this variant (Variation ID: 1453121). For these reasons, this variant has been classified as Pathogenic.

Literature cited by the submitters: PubMed 24336167.